The following is an entry in ClinVar:

ClinVar aggregate classification (germline): Uncertain significance (1 of 4 stars; one submission).

Conditions:
Immunodeficiency, common variable, 2 (CVID2). Also called: HYPOGAMMAGLOBULINEMIA DUE TO TACI DEFICIENCY; ANTIBODY DEFICIENCY DUE TO TACI DEFECT. Identifiers: Orphanet 1572, MedGen C3150354, MONDO:0009413, OMIM 240500.

Submission:

Labcorp Genetics (formerly Invitae), Labcorp
Classification: Uncertain significance for Immunodeficiency, common variable, 2. Last evaluated: 2024-09-01. Review status: criteria provided, single submitter. Criteria: Invitae Variant Classification Sherloc (09022015). Collection method: clinical testing. Allele origin: germline.
Comment: This sequence change replaces glycine, which is neutral and non-polar, with valine, which is neutral and non-polar, at codon 217 of the TNFRSF13B protein (p.Gly217Val). This variant is not present in population databases (gnomAD no frequency). This variant has not been reported in the literature in individuals affected with TNFRSF13B-related conditions. Invitae Evidence Modeling of protein sequence and biophysical properties (such as structural, functional, and spatial information, amino acid conservation, physicochemical variation, residue mobility, and thermodynamic stability) has been performed for this missense variant. However, the output from this modeling did not meet the statistical confidence thresholds required to predict the impact of this variant on TNFRSF13B protein function. In summary, the available evidence is currently insufficient to determine the role of this variant in disease. Therefore, it has been classified as a Variant of Uncertain Significance.

NM_012452.3(TNFRSF13B):c.650G>T (p.Gly217Val)

Gene: TNFRSF13B (TNF receptor superfamily member 13B; minus strand). Cytogenetic location: 17p11.2.
Variant type: single nucleotide variant.
Coding change: c.650G>T on transcript NM_012452.3 (MANE Select); coding-DNA position 650, G replaced by T.
Protein change: p.Gly217Val; replaces glycine 217 with valine.
Molecular consequence: missense variant.
Genome position (GRCh38, 1-based): chr17:16,939,779, C>A on the plus strand (G>T on the coding strand, the complement: TNFRSF13B is on the minus strand). VCF-style: chr17-16939779-C-A. GRCh37 (hg19) VCF-style: chr17-16843093-C-A.
Other names: short protein forms G217V.
Identifiers: ClinVar variation 3664188 (VCV003664188.2).
Genomic context (GRCh38, chr17:16,939,779, plus strand): 5'-CACTCAGGGAAGCAGAAGCTGCAGGTCTCCACTGGCTCGGGGGATGTGCTCACAGGGCTG[C>A]CGGCTTCCATCGCGTGATCTGCAGAGGCGAGAGTGGAGGGCGTGGGCCAGGCCTGGCCCT-3'
Protein context (NP_036584.1, residues 207-227): KSSQDHAMEA[Gly217Val]SPVSTSPEPV